The following is an entry in ClinVar:

ClinVar aggregate classification (germline): Likely benign. Review status: criteria provided, multiple submitters, no conflicts (2 of 4 stars). 2 submissions from 2 submitters: Likely benign (2). Last evaluated 2024-04-14.

Conditions:
Hereditary nonpolyposis colorectal neoplasms. Identifiers: MedGen C0009405, MeSH D003123.

Allele frequency attached by ClinVar (database versions not stated): gnomAD exomes below 0.00001.

Submissions (2):

Labcorp Genetics (formerly Invitae), Labcorp
Classification: Likely benign for Hereditary nonpolyposis colorectal neoplasms. Last evaluated: 2024-04-14. Review status: criteria provided, single submitter. Criteria: Invitae Variant Classification Sherloc (09022015). Collection method: clinical testing. Allele origin: germline.

GeneDx
Classification: Likely benign. Last evaluated: 2017-04-21. Review status: criteria provided, single submitter. Criteria: GeneDx Variant Classification (06012015). Collection method: clinical testing. Allele origin: germline. Affected: yes.
Comment: This variant is considered likely benign or benign based on one or more of the following criteria: it is a conservative change, it occurs at a poorly conserved position in the protein, it is predicted to be benign by multiple in silico algorithms, and/or has population frequency not consistent with disease.

NM_000535.7(PMS2):c.250+16C>G

Gene: PMS2 (PMS1 homolog 2, mismatch repair system component; minus strand). Cytogenetic location: 7p22.1.
Variant type: single nucleotide variant.
Coding change: c.250+16C>G on transcript NM_000535.7 (MANE Select); 16 bases into the intron after coding-DNA position 250, C replaced by G.
Molecular consequence: intron variant.
Genome position (GRCh38, 1-based): chr7:6,003,956, G>C on the plus strand (C>G on the coding strand, the complement: PMS2 is on the minus strand). VCF-style: chr7-6003956-G-C. GRCh37 (hg19) VCF-style: chr7-6043587-G-C.
Other names: c.35+16C>G (NM_001322008.2, NM_001322007.2); c.-156+16C>G (NM_001322010.2, NM_001322004.2, NM_001322013.2 and 3 more transcripts); c.-635+16C>G (NM_001322012.2, NM_001322011.2); c.-235+16C>G (NM_001322015.2); c.250+16C>G (NM_001322006.2, NM_001322014.2).
Identifiers: ClinVar variation 509064 (VCV000509064.4), dbSNP rs1554304924, ClinGen allele CA658796891.